The following is an entry in ClinVar:

ClinVar aggregate classification (germline): Pathogenic/Likely pathogenic. Review status: criteria provided, multiple submitters, no conflicts (2 of 4 stars). 4 submissions from 4 submitters: Pathogenic (3); Likely pathogenic (1). Last evaluated 2026-01-21.

Conditions:
Recessive dystrophic epidermolysis bullosa (RDEB). Also called: severe generalized recessive dystrophic epidermolysis bullosa; epidermolysis bullosa dystrophica, autosomal recessive; Hallopeau-Siemens Disease; EPIDERMOLYSIS BULLOSA DYSTROPHICA, GENERALIZED SEVERE, AUTOSOMAL RECESSIVE; Recessive DEB (RDEB); Epidermolysis Bullosa Distrophica Autosomal Recessive (RDEB). Identifiers: Orphanet 79408, Orphanet 79409, MedGen C0079474, MONDO:0009179, OMIM 226600.
Epidermolysis bullosa dystrophica. Also called: Dystrophic epidermolysis bullosa, Hallopeau-Siemens type (formerly); Dystrophic epidermolysis bullosa. Identifiers: Orphanet 303, MedGen C0079294, MONDO:0006543.

Allele frequency attached by ClinVar (database versions not stated): ExAC 0.00001; TOPMed below 0.00001; gnomAD exomes below 0.00001; gnomAD 0.00001; ESP Exome Variant Server 0.00008.
gnomAD v4.1: 1 of 1,614,084 alleles (0.000062%); highest among the groups gnomAD compares: Non-Finnish European, 0.000085%; no homozygotes.

Submissions (4):

Natera, Inc.
Classification: Likely pathogenic for Dystrophic epidermolysis bullosa. Last evaluated: 2026-01-21. Review status: criteria provided, single submitter. Criteria: Natera Variant Classification Schema (03/2026). Collection method: clinical testing. Allele origin: germline.
Comment: The c.1304G>A variant in COL7A1 is a nonsense variant predicted to introduce a stop codon at amino acid 435. This variant is expected to result in nonsense mediated decay, truncation, or a dysfunctional protein product. This variant is rare in the general population with a frequency below the threshold expected for the associated phenotype(s). Given the available evidence, this variant is classified as Likely Pathogenic.

Myriad Genetics, Inc.
Classification: Pathogenic for Recessive dystrophic epidermolysis bullosa. Last evaluated: 2025-08-06. Review status: criteria provided, single submitter. Criteria: Myriad Autosomal Dominant, Autosomal Recessive and X-Linked Classification Criteria (2023). Collection method: clinical testing. Allele origin: unknown.
Comment: NM_000094.3(COL7A1):c.1304G>A(W435*) is expected to be pathogenic in the context of dystrophic epidermolysis bullosa. This variant is predicted to lead to an abnormal or absent protein product due to the creation of a premature termination codon in COL7A1, a gene where loss-of-function variants are known to be pathogenic. Please note: this variant was assessed in the context of healthy population screening.

Women's Health and Genetics/Laboratory Corporation of America, LabCorp
Classification: Pathogenic for Dystrophic Epidermolysis Bullosa, Recessive. Last evaluated: 2024-07-11. Review status: criteria provided, single submitter. Criteria: LabCorp Variant Classification Summary - May 2015. Collection method: clinical testing. Allele origin: germline.
Comment: Variant summary: COL7A1 c.1304G>A (p.Trp435X) results in a premature termination codon, predicted to cause a truncation of the encoded protein or absence of the protein due to nonsense mediated decay, which are commonly known mechanisms for disease. The variant allele was found at a frequency of 4e-06 in 251446 control chromosomes (gnomAD). To our knowledge, no occurrence of c.1304G>A in individuals affected with Dystrophic Epidermolysis Bullosa, Recessive and no experimental evidence demonstrating its impact on protein function have been reported. ClinVar contains an entry for this variant (Variation ID: 1405178). Based on the evidence outlined above, the variant was classified as pathogenic.

Labcorp Genetics (formerly Invitae), Labcorp
Classification: Pathogenic. Last evaluated: 2022-08-05. Review status: criteria provided, single submitter. Criteria: Invitae Variant Classification Sherloc (09022015). Collection method: clinical testing. Allele origin: germline.
Comment: This sequence change creates a premature translational stop signal (p.Trp435*) in the COL7A1 gene. It is expected to result in an absent or disrupted protein product. Loss-of-function variants in COL7A1 are known to be pathogenic (PMID: 16971478). This variant is present in population databases (rs375539799, gnomAD 0.0009%). This variant has not been reported in the literature in individuals affected with COL7A1-related conditions. ClinVar contains an entry for this variant (Variation ID: 1405178). Algorithms developed to predict the effect of sequence changes on RNA splicing suggest that this variant may create or strengthen a splice site. For these reasons, this variant has been classified as Pathogenic.

Literature cited by the submitters: PubMed 16971478 (cited by Labcorp Genetics (formerly Invitae), Labcorp).

NM_000094.4(COL7A1):c.1304G>A (p.Trp435Ter)

Gene: COL7A1 (collagen type VII alpha 1 chain; minus strand). Cytogenetic location: 3p21.31.
Variant type: single nucleotide variant.
Coding change: c.1304G>A on transcript NM_000094.4 (MANE Select); coding-DNA position 1304, G replaced by A.
Protein change: p.Trp435Ter; replaces tryptophan 435 with a stop codon.
Molecular consequence: nonsense.
Genome position (GRCh38, 1-based): chr3:48,591,951, C>T on the plus strand (G>A on the coding strand, the complement: COL7A1 is on the minus strand). VCF-style: chr3-48591951-C-T. GRCh37 (hg19) VCF-style: chr3-48629384-C-T.
Other names: c.1304G>A (NM_000094.3); short protein forms W435*.
Identifiers: ClinVar variation 1405178 (VCV001405178.6), dbSNP rs375539799, ClinGen allele CA2381254.
Genomic context (GRCh38, chr3:48,591,951, plus strand): 5'-CACTGACCAGTCTCACGCCGCCATTCCAACCGGTAGCCACGGGCCTCAGGCACCAAGTTC[C>T]AGGAAAGGAGGATGGATGTGGGGCCCAGGATGACCGGGCGCAGGGTCTGCTCAACAGAAG-3'